The following is an entry in ClinVar:

Single allele

Gene: LINC02055 (long intergenic non-protein coding RNA 2055; plus strand). Cytogenetic location: 8q24.23.
Variant type: Deletion.
Identifiers: ClinVar variation 157127 (VCV000157127.2).

ClinVar aggregate classification (germline): not provided (0 of 4 stars; one submission).

Conditions:
Gestational diabetes mellitus uncontrolled. Identifiers: MedGen C3532257.

Submission:

Institute of Molecular and Cell Biology, University of Tartu
No classification provided. Condition: Gestational diabetes mellitus uncontrolled. Review status: no classification provided. Collection method: case-control. Allele origin: unknown. Affected: yes. Study: Kasak2014.
Comment: The study aimed to determine the contribution of copy number variants in the genetic etiology of normal and complicated pregnancies. The samples represented (i) maternal blood DNA drawn from healthy pregnant women during 1st or 2nd trimester and (ii) maternal and paternal blood DNA drawn at term pregnancy cases representing normal and complicated gestations (severe preeclampsia, PE; gestational diabetes, GD; small-for-gestational age newborn, SGA; large-for-gestational age newborn, LGA). We performed CNV calling based on genome-wide genotyping dataset (Illumina HumanOmniExpress-24-v1 BeadChip) by applying three algorithms, QuantiSNP, GADA (Genome Alteration Detection Algorithm) and CNstream in parallel. The acquired CNV calls were merged with HD-CNV (Hotspot Detector for Copy Number Variants) program and only the CNVs predicted by at least two programs, were considered in subsequent analysis.

Literature cited by the submitters: PubMed 25666259.